The following is an entry in ClinVar:

NM_030662.4(MAP2K2):c.1153A>G (p.Lys385Glu)

Gene: MAP2K2 (mitogen-activated protein kinase kinase 2; minus strand). Cytogenetic location: 19p13.3.
Variant type: single nucleotide variant.
Coding change: c.1153A>G on transcript NM_030662.4 (MANE Select); coding-DNA position 1153, A replaced by G.
Protein change: p.Lys385Glu; replaces lysine 385 with glutamic acid.
Molecular consequence: missense variant.
Genome position (GRCh38, 1-based): chr19:4,090,648, T>C on the plus strand (A>G on the coding strand, the complement: MAP2K2 is on the minus strand). VCF-style: chr19-4090648-T-C. GRCh37 (hg19) VCF-style: chr19-4090646-T-C.
Other names: c.874A>G, p.Lys292Glu (NM_001440688.1); c.583A>G, p.Lys195Glu (NM_001440689.1); short protein forms K385E, K195E, K292E.
Identifiers: ClinVar variation 4103130 (VCV004103130.1).

ClinVar aggregate classification (germline): Uncertain significance (1 of 4 stars; one submission).

Conditions:
Cardiovascular phenotype. Identifiers: MedGen CN230736.

Submission:

Ambry Genetics
Classification: Uncertain significance for Cardiovascular phenotype. Last evaluated: 2025-07-09. Review status: criteria provided, single submitter. Criteria: Ambry Variant Classification Scheme 2023. Collection method: clinical testing. Allele origin: germline.
Comment: The p.K385E variant (also known as c.1153A>G), located in coding exon 11 of the MAP2K2 gene, results from an A to G substitution at nucleotide position 1153. The lysine at codon 385 is replaced by glutamic acid, an amino acid with similar properties. This amino acid position is conserved. In addition, this alteration is predicted to be tolerated by in silico analysis. Based on the available evidence, the clinical significance of this variant remains unclear.